The following is an entry in ClinVar:

ClinVar aggregate classification (germline): Uncertain significance (1 of 4 stars; one submission).

Submission:

Labcorp Genetics (formerly Invitae), Labcorp
Classification: Uncertain significance. Last evaluated: 2024-03-04. Review status: criteria provided, single submitter. Criteria: Invitae Variant Classification Sherloc (09022015). Collection method: clinical testing. Allele origin: germline.
Comment: This sequence change replaces alanine, which is neutral and non-polar, with threonine, which is neutral and polar, at codon 2286 of the PCNT protein (p.Ala2286Thr). This variant is not present in population databases (gnomAD no frequency). This variant has not been reported in the literature in individuals affected with PCNT-related conditions. ClinVar contains an entry for this variant (Variation ID: 1942711). An algorithm developed to predict the effect of missense changes on protein structure and function (PolyPhen-2) suggests that this variant is likely to be disruptive. In summary, the available evidence is currently insufficient to determine the role of this variant in disease. Therefore, it has been classified as a Variant of Uncertain Significance.

NM_006031.6(PCNT):c.6856G>A (p.Ala2286Thr)

Gene: PCNT (pericentrin; plus strand). Cytogenetic location: 21q22.3.
Variant type: single nucleotide variant.
Coding change: c.6856G>A on transcript NM_006031.6 (MANE Select); coding-DNA position 6856, G replaced by A.
Protein change: p.Ala2286Thr; replaces alanine 2286 with threonine.
Molecular consequence: missense variant.
Genome position (GRCh38, 1-based): chr21:46,416,774, G>A. VCF-style: chr21-46416774-G-A. GRCh37 (hg19) VCF-style: chr21-47836688-G-A.
Other names: c.6502G>A, p.Ala2168Thr (NM_001315529.2); short protein forms A2286T, A2168T.
Identifiers: ClinVar variation 1942711 (VCV001942711.4), dbSNP rs2518830955, ClinGen allele CA410564863.